The following is an entry in ClinVar:

ClinVar aggregate classification (germline): Likely pathogenic (1 of 4 stars; one submission).

Conditions:
Dilated cardiomyopathy 1G (CMD1G). Identifiers: Orphanet 154, MedGen C1858763, MONDO:0011400, OMIM 604145.
Autosomal recessive limb-girdle muscular dystrophy type 2J (LGMDR10). Also called: Limb-girdle muscular dystrophy, type 2J; MUSCULAR DYSTROPHY, LIMB-GIRDLE, AUTOSOMAL RECESSIVE 10. Identifiers: Orphanet 140922, MedGen C1837342, MONDO:0012127, OMIM 608807.

Submission:

Labcorp Genetics (formerly Invitae), Labcorp
Classification: Likely pathogenic for Dilated cardiomyopathy 1G; Autosomal recessive limb-girdle muscular dystrophy type 2J. Last evaluated: 2023-06-22. Review status: criteria provided, single submitter. Criteria: Invitae Variant Classification Sherloc (09022015). Collection method: clinical testing. Allele origin: germline.
Comment: This sequence change creates a premature translational stop signal (p.Arg16929Serfs*12) in the TTN gene. While this is not anticipated to result in nonsense mediated decay, it is expected to create a truncated TTN protein. This variant is not present in population databases (gnomAD no frequency). This variant has not been reported in the literature in individuals affected with TTN-related conditions. This variant is located in the A band of TTN (PMID: 25589632). Truncating variants in this region are significantly overrepresented in patients affected with dilated cardiomyopathy (PMID: 25589632). Truncating variants in this region have also been reported in individuals affected with autosomal recessive centronuclear myopathy (PMID: 23975875). In summary, the currently available evidence indicates that the variant is pathogenic, but additional data are needed to prove that conclusively. Therefore, this variant has been classified as Likely Pathogenic.

Literature cited by the submitters: PubMed 25589632; PubMed 23975875.

NM_001267550.2(TTN):c.50787_50788del (p.Arg16929fs)

Genes: TTN-AS1 (TTN antisense RNA 1; plus strand), TTN (titin; minus strand). Cytogenetic location: 2q31.2.
Variant type: Microsatellite.
Coding change: c.50787_50788del on transcript NM_001267550.2 (MANE Select); coding-DNA positions 50787 to 50788, 2 bases deleted (AG; older notation c.50787_50788delAG).
Protein change: p.Arg16929fs; shifts the reading frame from arginine 16929.
Molecular consequence: frameshift variant.
Genome position (GRCh38, 1-based): chr2:178,611,441-178,611,442, CT deleted on the plus strand (AG on the coding strand, the reverse complement: TTN is on the minus strand); deleting any 2 consecutive bases within chr2:178,611,441-178,611,445 gives the same sequence; the c. name uses the placement nearest the transcript's 3' end. VCF-style (leftmost placement, unchanged base first): chr2-178611440-GCT-G. GRCh37 (hg19) VCF-style: chr2-179476167-GCT-G.
Other names: c.45864_45865del, p.Arg15288fs (NM_001256850.1); c.23592_23593del, p.Arg7864fs (NM_003319.4); c.43083_43084del, p.Arg14361fs (NM_133378.4); c.23967_23968del, p.Arg7989fs (NM_133432.3); c.24168_24169del, p.Arg8056fs (NM_133437.4); short protein forms R16929fs, R14361fs, R7989fs, R15288fs, R7864fs, R8056fs.
Identifiers: ClinVar variation 2949167 (VCV002949167.3), dbSNP rs2470492433, ClinGen allele CA2662132208.